The following is an entry in ClinVar:

NM_006509.4(RELB):c.754G>A (p.Ala252Thr)

Gene: RELB (RELB proto-oncogene, NF-kB subunit; plus strand). Cytogenetic location: 19q13.32.
Variant type: single nucleotide variant.
Coding change: c.754G>A on transcript NM_006509.4 (MANE Select); coding-DNA position 754, G replaced by A.
Protein change: p.Ala252Thr; replaces alanine 252 with threonine.
Molecular consequence: missense variant.
Genome position (GRCh38, 1-based): chr19:45,025,420, G>A. VCF-style: chr19-45025420-G-A. GRCh37 (hg19) VCF-style: chr19-45528678-G-A.
Other names: c.745G>A, p.Ala249Thr (NM_001411087.1); short protein forms A252T, A249T.
Identifiers: ClinVar variation 2889760 (VCV002889760.3), dbSNP rs774976152, ClinGen allele CA9507638.

ClinVar aggregate classification (germline): Uncertain significance (1 of 4 stars; one submission).

Allele frequency attached by ClinVar (database versions not stated): ExAC 0.00001.
gnomAD v4.1: 12 of 1,610,108 alleles (0.00075%); highest among the groups gnomAD compares: Admixed American, 0.0051%; no homozygotes.

Submission:

Labcorp Genetics (formerly Invitae), Labcorp
Classification: Uncertain significance. Last evaluated: 2023-10-05. Review status: criteria provided, single submitter. Criteria: Invitae Variant Classification Sherloc (09022015). Collection method: clinical testing. Allele origin: germline.
Comment: This sequence change replaces alanine, which is neutral and non-polar, with threonine, which is neutral and polar, at codon 252 of the RELB protein (p.Ala252Thr). This variant also falls at the last nucleotide of exon 6, which is part of the consensus splice site for this exon. The frequency data for this variant in the population databases is considered unreliable, as metrics indicate poor data quality at this position in the gnomAD database. This variant has not been reported in the literature in individuals affected with RELB-related conditions. An algorithm developed to predict the effect of missense changes on protein structure and function (PolyPhen-2) suggests that this variant is likely to be tolerated. Variants that disrupt the consensus splice site are a relatively common cause of aberrant splicing (PMID: 17576681, 9536098). In summary, the available evidence is currently insufficient to determine the role of this variant in disease. Therefore, it has been classified as a Variant of Uncertain Significance.

Literature cited by the submitters: PubMed 17576681; PubMed 9536098.